The following is an entry in ClinVar:

NM_001348323.3(TRIP12):c.4646_4668del (p.Leu1549fs)

Gene: TRIP12 (thyroid hormone receptor interactor 12; minus strand). Cytogenetic location: 2q36.3.
Variant type: Deletion.
Coding change: c.4646_4668del on transcript NM_001348323.3 (MANE Select); coding-DNA positions 4646 to 4668, 23 bases deleted (TTTTAAGAGTTTTACATGCTATC).
Protein change: p.Leu1549fs; shifts the reading frame from leucine 1549.
Molecular consequence: frameshift variant.
Genome position (GRCh38, 1-based): chr2:229,789,638-229,789,660, GATAGCATGTAAAACTCTTAAAA deleted on the plus strand (TTTTAAGAGTTTTACATGCTATC on the coding strand, the reverse complement: TRIP12 is on the minus strand); deleting any 23 consecutive bases within chr2:229,789,638-229,789,662 gives the same sequence; the c. name uses the placement nearest the transcript's 3' end. VCF-style (leftmost placement, unchanged base first): chr2-229789637-TGATAGCATGTAAAACTCTTAAAA-T. GRCh37 (hg19) VCF-style: chr2-230654353-TGATAGCATGTAAAACTCTTAAAA-T.
Other names: c.4565_4587del, p.Leu1522fs (NM_001284214.2, NM_001348315.2); c.4520_4542del, p.Leu1507fs (NM_001284215.2, NM_001348316.2); c.3611_3633del, p.Leu1204fs (NM_001284216.2); c.4505_4527del, p.Leu1502fs (NM_001348317.1, NM_001348318.2); c.4631_4653del, p.Leu1544fs (NM_001348319.1, NM_001348320.2); c.4634_4656del, p.Leu1545fs (NM_001348321.1); c.4646_4668del, p.Leu1549fs (NM_001348322.1, NM_001348324.2, NM_001348325.2 and 2 more transcripts); c.4649_4671del, p.Leu1550fs (NM_001348328.1, NM_001348329.2, NM_001348330.2); and 4 more; short protein forms L1204fs, L1474fs, L1475fs, L1502fs, L1507fs, L1515fs, L1522fs, L1523fs.
Identifiers: ClinVar variation 1098379 (VCV001098379.2), dbSNP rs2154257804, ClinGen allele CA2499215766.

ClinVar aggregate classification (germline): Pathogenic (1 of 4 stars; one submission).

Submission:

Genetics Laboratory, UDIAT-Centre Diagnòstic, Hospital Universitari Parc Tauli
Classification: Pathogenic. Last evaluated: 2021-04-26. Review status: criteria provided, single submitter. Criteria: Parc Tauli Hospital Assertion Criteria 2021. Collection method: clinical testing. Allele origin: de novo. Inheritance: Autosomal dominant inheritance. Affected: yes. Observed: 1 heterozygote.
Comment: PVS1_very strong;PM2_supporting;PM6_moderate